The following is an entry in ClinVar:

NM_002296.4(LBR):c.638dup (p.Gly214fs)

Gene: LBR (lamin B receptor; minus strand). Cytogenetic location: 1q42.12.
Variant type: Duplication.
Coding change: c.638dup on transcript NM_002296.4 (MANE Select); coding-DNA position 638, one base duplicated (C; older notation c.638dupC).
Protein change: p.Gly214fs; shifts the reading frame from glycine 214.
Molecular consequence: frameshift variant.
Genome position (GRCh38, 1-based): chr1:225,419,265, G duplicated on the plus strand (C on the coding strand, the reverse complement: LBR is on the minus strand); the first of 2 consecutive G bases (chr1:225,419,265-225,419,266); duplicating either gives the same sequence. VCF-style (leftmost placement, unchanged base first): chr1-225419264-A-AG. GRCh37 (hg19) VCF-style: chr1-225606966-A-AG.
Other names: c.638dup, p.Gly214fs (NM_194442.3); short protein forms G214fs.
Identifiers: ClinVar variation 2078992 (VCV002078992.4), dbSNP rs2527822176, ClinGen allele CA2580062235.
Genomic context (GRCh38, chr1:225,419,264, plus strand): 5'-GTGGCAACCACCCCTAGCTCACCCCACCTGCCCTCTCTGGGCCCAGCTCTGAGGCCTACC[A>AG]GGTACTCCTCCAAACTCCAAGTCCTTTGCCCGGATGGGGGTCACTTCAAAGGTTCTCACT-3'

ClinVar aggregate classification (germline): Pathogenic (1 of 4 stars; one submission).

Submission:

Labcorp Genetics (formerly Invitae), Labcorp
Classification: Pathogenic. Last evaluated: 2022-07-06. Review status: criteria provided, single submitter. Criteria: Invitae Variant Classification Sherloc (09022015). Collection method: clinical testing. Allele origin: germline.
Comment: For these reasons, this variant has been classified as Pathogenic. This variant has not been reported in the literature in individuals affected with LBR-related conditions. This variant is not present in population databases (gnomAD no frequency). This sequence change creates a premature translational stop signal (p.Gly214Trpfs*21) in the LBR gene. It is expected to result in an absent or disrupted protein product. Loss-of-function variants in LBR are known to be pathogenic (PMID: 12118250, 12618959, 21327084).

Literature cited by the submitters: PubMed 12118250; PubMed 12618959; PubMed 21327084.